The following is an entry in ClinVar:

NM_013436.5(NCKAP1):c.3191C>T (p.Ser1064Phe)

Gene: NCKAP1 (NCK associated protein 1; minus strand). Cytogenetic location: 2q32.1.
Variant type: single nucleotide variant.
Coding change: c.3191C>T on transcript NM_013436.5 (MANE Select); coding-DNA position 3191, C replaced by T.
Protein change: p.Ser1064Phe; replaces serine 1064 with phenylalanine.
Molecular consequence: missense variant.
Genome position (GRCh38, 1-based): chr2:182,926,895, G>A on the plus strand (C>T on the coding strand, the complement: NCKAP1 is on the minus strand). VCF-style: chr2-182926895-G-A. GRCh37 (hg19) VCF-style: chr2-183791623-G-A.
Other names: c.3185C>T, p.Ser1062Phe (NM_001437266.1); c.3203C>T, p.Ser1068Phe (NM_001437267.1); c.3209C>T, p.Ser1070Phe (NM_205842.3); short protein forms S1064F, S1070F, S1062F, S1068F.
Identifiers: ClinVar variation 4732877 (VCV004732877.1).

ClinVar aggregate classification (germline): Uncertain significance (1 of 4 stars; one submission).

Submission:

Labcorp Genetics (formerly Invitae), Labcorp
Classification: Uncertain significance. Last evaluated: 2025-12-10. Review status: criteria provided, single submitter. Criteria: Invitae Variant Classification Sherloc (09022015). Collection method: clinical testing. Allele origin: germline.
Comment: This sequence change replaces serine, which is neutral and polar, with phenylalanine, which is neutral and non-polar, at codon 1070 of the NCKAP1 protein (p.Ser1070Phe). This variant is not present in population databases (gnomAD no frequency). This variant has not been reported in the literature in individuals affected with NCKAP1-related conditions. An algorithm developed to predict the effect of missense changes on protein structure and function (PolyPhen-2) suggests that this variant is likely to be tolerated. In summary, the available evidence is currently insufficient to determine the role of this variant in disease. Therefore, it has been classified as a Variant of Uncertain Significance.